The following is an entry in ClinVar:

ClinVar aggregate classification (germline): Likely pathogenic. Review status: criteria provided, single submitter (1 of 4 stars). 2 submissions from 2 submitters: Likely pathogenic (1). 1 of the submissions does not count toward it. Last evaluated 2019-02-06.

Conditions:
Ornithine carbamoyltransferase deficiency (OTCD). Also called: OTC DEFICIENCY; ORNITHINE TRANSCARBAMYLASE DEFICIENCY; ORNITHINE TRANSCARBAMYLASE DEFICIENCY, HYPERAMMONEMIA DUE TO; Ornithine Carbamoyltransferase Deficiency Disease. Identifiers: Orphanet 664, MedGen C0268542, MONDO:0010703, OMIM 311250.

Submissions (2):

Labcorp Genetics (formerly Invitae), Labcorp
Classification: Likely pathogenic for Ornithine carbamoyltransferase deficiency. Last evaluated: 2019-02-06. Review status: criteria provided, single submitter. Criteria: Invitae Variant Classification Sherloc (09022015). Collection method: clinical testing. Allele origin: germline.
Comment: This variant is not present in population databases (ExAC no frequency). In summary, the currently available evidence indicates that the variant is pathogenic, but additional data are needed to prove that conclusively. Therefore, this variant has been classified as Likely Pathogenic. Experimental studies have shown that this promoter change causes a reduction of OTC transcription (PMID: 29282796). This variant has been observed in individuals affected with clinical features of OTC deficiency (PMID: 29282796, Invitae). ClinVar contains an entry for this variant (Variation ID: 487342). This variant occurs in a non-coding region of the OTC gene. It does not change the encoded amino acid sequence of the OTC protein.

Caldovic Lab, Children's National Health System
Classification: Likely pathogenic for Ornithine carbamoyltransferase deficiency. Last evaluated: 2017-12-12. Review status: no assertion criteria provided. Collection method: research. Allele origin: inherited, not applicable. Inheritance: X-linked recessive inheritance. Affected: yes. Not counted in ClinVar's aggregate classification.
Comment: Functional testing in cultured cells indicates reduced expression of reporter gene

Literature cited by the submitters: PubMed 29282796 (cited by Labcorp Genetics (formerly Invitae), Labcorp and Caldovic Lab, Children's National Health System).

NC_000023.11:g.38352555G>A

Gene: OTC (ornithine transcarbamylase; plus strand). Cytogenetic location: Xp11.4.
Variant type: single nucleotide variant.
Molecular consequence: intron variant (on NM_001407092.1).
Genome position: GRCh38 VCF-style: chrX-38352555-G-A. GRCh37 (hg19) VCF-style: chrX-38211808-G-A.
Other names: c.-79-63G>A (NM_001407092.1).
Identifiers: ClinVar variation 487342 (VCV000487342.10), dbSNP rs1555971000, ClinGen allele CA658799698.